The following is an entry in ClinVar:

NM_001195305.3(BBIP1):c.51_52del (p.Ser18fs)

Gene: BBIP1 (BBSome interacting protein 1; minus strand). Cytogenetic location: 10q25.2.
Variant type: Microsatellite.
Coding change: c.51_52del on transcript NM_001195305.3 (MANE Select); coding-DNA positions 51 to 52, 2 bases deleted (AT; older notation c.51_52delAT).
Protein change: p.Ser18fs; shifts the reading frame from serine 18.
Molecular consequence: frameshift variant. On other transcripts: 5 prime UTR variant (1), intron variant (1).
Genome position (GRCh38, 1-based): chr10:110,901,598-110,901,599, AT deleted on the plus strand (AT on the coding strand, the reverse complement: BBIP1 is on the minus strand); deleting any 2 consecutive bases within chr10:110,901,598-110,901,602 gives the same sequence; the c. name uses the placement nearest the transcript's 3' end. VCF-style (leftmost placement, unchanged base first): chr10-110901597-GAT-G. GRCh37 (hg19) VCF-style: chr10-112661355-GAT-G.
Other names: c.208_209del, p.Ile70fs (NM_001195304.2); c.51_52del, p.Ser18fs (NM_001195306.2); c.-18AT[1] (NM_001243783.3); c.38-1073_38-1072del (NM_001195307.2); short protein forms I70fs, S18fs.
Identifiers: ClinVar variation 3356100 (VCV003356100.1).

ClinVar aggregate classification (germline): Uncertain significance (0 of 4 stars; one submission).

Conditions:
BBIP1-related disorder. Also called: BBIP1-related condition.

Submission:

PreventionGenetics, part of Exact Sciences
Classification: Uncertain significance for BBIP1-related condition. Last evaluated: 2024-05-31. Review status: no assertion criteria provided. Collection method: clinical testing. Allele origin: germline.
Comment: The BBIP1 c.51_52delAT variant is predicted to result in a frameshift and premature protein termination (p.Ser18Glnfs*34). To our knowledge, this variant has not been reported in the literature or in a large population database, indicating this variant is rare. Loss of function has not been conclusively established as a mechanism for BBIP1-related disorders. Although we suspect that this variant may be pathogenic, at this time, the clinical significance of this variant is uncertain due to the absence of conclusive functional and genetic evidence.